The following is an entry in ClinVar:

ClinVar aggregate classification (germline): Uncertain significance. Review status: criteria provided, multiple submitters, no conflicts (2 of 4 stars). 7 submissions from 7 submitters: Uncertain significance (6). 1 of the submissions does not count toward it. Last evaluated 2026-02-02.

Conditions:
Short-rib thoracic dysplasia 10 with or without polydactyly (SRTD10). Identifiers: Orphanet 474, MedGen C3810175, MONDO:0014284, OMIM 615630.
Retinitis pigmentosa 71 (RP71). Identifiers: Orphanet 791, MedGen C4225342, MONDO:0014618, OMIM 616394.
Inborn genetic diseases. Identifiers: MedGen C0950123, MeSH D030342.
Bardet-Biedl syndrome 20. Identifiers: MedGen C4310707, MONDO:0023670, OMIM 619471, MONDO:0014926.
IFT172-related disorder. Also called: IFT172-related condition; IFT172-related disorders.

Allele frequency attached by ClinVar (database versions not stated): ExAC 0.00002; gnomAD 0.00002; gnomAD exomes 0.00002; TOPMed 0.00002; ESP Exome Variant Server 0.00008.
gnomAD v4.1: 36 of 1,614,044 alleles (0.0022%); highest among the groups gnomAD compares: Middle Eastern, 0.016%; no homozygotes.

Submissions (7):

GeneDx
Classification: Uncertain significance. Last evaluated: 2026-02-02. Review status: criteria provided, single submitter. Criteria: GeneDx Variant Classification Process June 2021. Collection method: clinical testing. Allele origin: germline.
Comment: Not observed at significant frequency in large population cohorts (gnomAD); In silico analysis suggests that this missense variant does not alter protein structure/function; Has not been previously published as pathogenic or benign to our knowledge

Blueprint Genetics
Classification: Uncertain significance. Last evaluated: 2024-08-29. Review status: criteria provided, single submitter. Criteria: ACMG Guidelines, 2015. Collection method: clinical testing. Allele origin: germline.

Ambry Genetics
Classification: Uncertain significance for Inborn genetic diseases. Last evaluated: 2024-08-01. Review status: criteria provided, single submitter. Criteria: Ambry Variant Classification Scheme 2023. Collection method: clinical testing. Allele origin: germline.

Labcorp Genetics (formerly Invitae), Labcorp
Classification: Uncertain significance for Retinitis pigmentosa 71; Short-rib thoracic dysplasia 10 with or without polydactyly. Last evaluated: 2023-11-27. Review status: criteria provided, single submitter. Criteria: Invitae Variant Classification Sherloc (09022015). Collection method: clinical testing. Allele origin: germline.
Comment: This sequence change replaces arginine, which is basic and polar, with histidine, which is basic and polar, at codon 1330 of the IFT172 protein (p.Arg1330His). This variant is present in population databases (rs202236985, gnomAD 0.006%). This variant has not been reported in the literature in individuals affected with IFT172-related conditions. ClinVar contains an entry for this variant (Variation ID: 962430). Advanced modeling of protein sequence and biophysical properties (such as structural, functional, and spatial information, amino acid conservation, physicochemical variation, residue mobility, and thermodynamic stability) performed at Invitae indicates that this missense variant is not expected to disrupt IFT172 protein function with a negative predictive value of 80%. In summary, the available evidence is currently insufficient to determine the role of this variant in disease. Therefore, it has been classified as a Variant of Uncertain Significance.

Fulgent Genetics
Classification: Uncertain significance for Short-rib thoracic dysplasia 10 with or without polydactyly; Retinitis pigmentosa 71; Bardet-Biedl syndrome 20. Last evaluated: 2021-10-19. Review status: criteria provided, single submitter. Criteria: ACMG Guidelines, 2015. Collection method: clinical testing. Allele origin: unknown.

Juno Genomics, Hangzhou Juno Genomics, Inc
Classification: Uncertain significance for Bardet-Biedl syndrome 20; Retinitis pigmentosa 71; Short-rib thoracic dysplasia 10 with or without polydactyly. Review status: criteria provided, single submitter. Criteria: ACMG Guidelines, 2015. Collection method: clinical testing. Allele origin: germline.
Comment: Absent from controls (or at extremely low frequency if recessive) in Genome Aggregation Database.

PreventionGenetics, part of Exact Sciences
Classification: Uncertain significance for IFT172-related condition. Last evaluated: 2024-01-27. Review status: no assertion criteria provided. Collection method: clinical testing. Allele origin: germline. Not counted in ClinVar's aggregate classification.
Comment: The IFT172 c.3989G>A variant is predicted to result in the amino acid substitution p.Arg1330His. To our knowledge, this variant has not been reported in the literature. This variant is reported in 0.0065% of alleles in individuals of South Asian descent in gnomAD. At this time, the clinical significance of this variant is uncertain due to the absence of conclusive functional and genetic evidence.

NM_015662.3(IFT172):c.3989G>A (p.Arg1330His)

Gene: IFT172 (intraflagellar transport 172; minus strand). Cytogenetic location: 2p23.3.
Variant type: single nucleotide variant.
Coding change: c.3989G>A on transcript NM_015662.3 (MANE Select); coding-DNA position 3989, G replaced by A.
Protein change: p.Arg1330His; replaces arginine 1330 with histidine.
Molecular consequence: missense variant.
Genome position (GRCh38, 1-based): chr2:27,450,059, C>T on the plus strand (G>A on the coding strand, the complement: IFT172 is on the minus strand). VCF-style: chr2-27450059-C-T. GRCh37 (hg19) VCF-style: chr2-27672926-C-T.
Other names: c.3989G>A (NM_015662.1); short protein forms R1330H.
Identifiers: ClinVar variation 962430 (VCV000962430.16), dbSNP rs202236985, ClinGen allele CA1579768.